The following is an entry in ClinVar:

NM_001242957.3(MAK):c.1618A>G (p.Ile540Val)

Gene: MAK (male germ cell associated kinase; minus strand). Cytogenetic location: 6p24.2.
Variant type: single nucleotide variant.
Coding change: c.1618A>G on transcript NM_001242957.3 (MANE Select); coding-DNA position 1618, A replaced by G.
Protein change: p.Ile540Val; replaces isoleucine 540 with valine.
Molecular consequence: missense variant. On other transcripts: intron variant (3).
Genome position (GRCh38, 1-based): chr6:10,773,088, T>C on the plus strand (A>G on the coding strand, the complement: MAK is on the minus strand). VCF-style: chr6-10773088-T-C. GRCh37 (hg19) VCF-style: chr6-10773321-T-C.
Other names: c.1495+2240A>G (NM_001377262.1); c.1597+2240A>G (NM_005906.6, NM_001242385.2); short protein forms I540V.
Identifiers: ClinVar variation 1380780 (VCV001380780.4), dbSNP rs374286792, ClinGen allele CA134100518.

ClinVar aggregate classification (germline): Uncertain significance. Review status: criteria provided, single submitter (1 of 4 stars). 2 submissions from 2 submitters: Uncertain significance (1). 1 of the submissions does not count toward it. Last evaluated 2022-06-27.

Conditions:
Retinal dystrophy. Also called: Inherited retinal dystrophy. Identifiers: Orphanet 71862, MedGen C0854723, MeSH D058499, MONDO:0019118, HP:0000556.

Allele frequency attached by ClinVar (database versions not stated): gnomAD exomes below 0.00001; TOPMed below 0.00001; gnomAD 0.00001.
gnomAD v4.1: 7 of 1,522,960 alleles (0.00046%); highest among the groups gnomAD compares: Middle Eastern, 0.033%; no homozygotes.

Submissions (2):

Labcorp Genetics (formerly Invitae), Labcorp
Classification: Uncertain significance. Last evaluated: 2022-06-27. Review status: criteria provided, single submitter. Criteria: Invitae Variant Classification Sherloc (09022015). Collection method: clinical testing. Allele origin: germline.
Comment: This sequence change replaces isoleucine with valine at codon 540 of the MAK protein (p.Ile540Val). The isoleucine residue is weakly conserved and there is a small physicochemical difference between isoleucine and valine. This variant is not present in population databases (gnomAD no frequency). This variant has not been reported in the literature in individuals affected with MAK-related conditions. Advanced modeling of protein sequence and biophysical properties (such as structural, functional, and spatial information, amino acid conservation, physicochemical variation, residue mobility, and thermodynamic stability) performed at Invitae indicates that this missense variant is not expected to disrupt MAK protein function. In summary, the available evidence is currently insufficient to determine the role of this variant in disease. Therefore, it has been classified as a Variant of Uncertain Significance.

Institute of Human Genetics, Univ. Regensburg, Univ. Regensburg
Classification: Uncertain significance for Retinal dystrophy. Last evaluated: 2017-01-01. Review status: no assertion criteria provided. Criteria: ACMG Guidelines, 2015. Collection method: clinical testing. Allele origin: germline. Affected: yes. Not counted in ClinVar's aggregate classification.